The following is an entry in ClinVar:

NM_000301.5(PLG):c.1571C>T (p.Ala524Val)

Gene: PLG (plasminogen; plus strand). Cytogenetic location: 6q26.
Variant type: single nucleotide variant.
Coding change: c.1571C>T on transcript NM_000301.5 (MANE Select); coding-DNA position 1571, C replaced by T.
Protein change: p.Ala524Val; replaces alanine 524 with valine.
Molecular consequence: missense variant.
Genome position (GRCh38, 1-based): chr6:160,731,877, C>T. VCF-style: chr6-160731877-C-T. GRCh37 (hg19) VCF-style: chr6-161152909-C-T.
Other names: short protein forms A524V.
Identifiers: ClinVar variation 2734966 (VCV002734966.5), dbSNP rs1413137211, ClinGen allele CA366364231.

ClinVar aggregate classification (germline): Uncertain significance. Review status: criteria provided, single submitter (1 of 4 stars). 2 submissions from 2 submitters: Uncertain significance (1). 1 of the submissions does not count toward it. Last evaluated 2023-03-24.

Conditions:
PLG-related disorder. Also called: PLG-related condition.

Allele frequency attached by ClinVar (database versions not stated): TOPMed below 0.00001.
gnomAD v4.1: 5 of 1,613,954 alleles (0.00031%); highest among the groups gnomAD compares: African/African-American, 0.0013%; no homozygotes.

Submissions (2):

Labcorp Genetics (formerly Invitae), Labcorp
Classification: Uncertain significance. Last evaluated: 2023-03-24. Review status: criteria provided, single submitter. Criteria: Invitae Variant Classification Sherloc (09022015). Collection method: clinical testing. Allele origin: germline.
Comment: This sequence change replaces alanine, which is neutral and non-polar, with valine, which is neutral and non-polar, at codon 524 of the PLG protein (p.Ala524Val). This variant is not present in population databases (gnomAD no frequency). This missense change has been observed in individual(s) with clinical features of PLG-related conditions (PMID: 16849641). This variant is also known as A505V. Advanced modeling of protein sequence and biophysical properties (such as structural, functional, and spatial information, amino acid conservation, physicochemical variation, residue mobility, and thermodynamic stability) performed at Invitae indicates that this missense variant is not expected to disrupt PLG protein function. Algorithms developed to predict the effect of sequence changes on RNA splicing suggest that this variant may disrupt the consensus splice site. In summary, the available evidence is currently insufficient to determine the role of this variant in disease. Therefore, it has been classified as a Variant of Uncertain Significance.

PreventionGenetics, part of Exact Sciences
Classification: Uncertain significance for PLG-related condition. Last evaluated: 2024-01-25. Review status: no assertion criteria provided. Collection method: clinical testing. Allele origin: germline. Not counted in ClinVar's aggregate classification.
Comment: The PLG c.1571C>T variant is predicted to result in the amino acid substitution p.Ala524Val. This variant has been reported in an individual with Plasminogen deficiency (apparently reported as C1647T, A505V in Tefs et al. 2006. PubMed ID: 16849641). It has also be reported in an individual in the MSSNG cohort of individuals with autism spectrum disorder (Supplemental Data 1, Zhou et al. 2022. PubMed ID: 35982159). This variant has not been reported in a large population database, indicating this variant is rare. Although we suspect that this variant may be pathogenic, at this time, the clinical significance of this variant is uncertain due to the absence of conclusive functional and genetic evidence.

Literature cited by the submitters: PubMed 16849641 (cited by Labcorp Genetics (formerly Invitae), Labcorp).